The following is an entry in ClinVar:

ClinVar aggregate classification (germline): Likely benign (1 of 4 stars; one submission).

Allele frequency attached by ClinVar (database versions not stated): ExAC 0.00001; TOPMed 0.00006; gnomAD 0.00007; ESP Exome Variant Server 0.00008.
gnomAD v4.1: 27 of 1,613,552 alleles (0.0017%); highest among the groups gnomAD compares: Non-Finnish European, 0.0023%; no homozygotes.

Submission:

CeGaT Center for Human Genetics Tuebingen
Classification: Likely benign. Last evaluated: 2023-04-01. Review status: criteria provided, single submitter. Criteria: CeGaT Center For Human Genetics Tuebingen Variant Classification Criteria Version 2. Collection method: clinical testing. Allele origin: germline. Affected: yes. Observed: 1 variant allele.
Comment: SETDB2: BP4, BP7

NM_001160308.3(SETDB2):c.372A>C (p.Ser124=)

Genes: SETDB2 (SET domain bifurcated histone lysine methyltransferase 2; plus strand), SETDB2-PHF11 (SETDB2-PHF11 readthrough; plus strand). Cytogenetic location: 13q14.2.
Variant type: single nucleotide variant.
Coding change: c.372A>C on transcript NM_001160308.3 (MANE Select); coding-DNA position 372, A replaced by C.
Protein change: p.Ser124=; no amino-acid change (serine 124 retained).
Molecular consequence: synonymous variant. On other transcripts: non-coding transcript variant (2).
Genome position (GRCh38, 1-based): chr13:49,476,542, A>C. VCF-style: chr13-49476542-A-C. GRCh37 (hg19) VCF-style: chr13-50050678-A-C.
Other names: c.336A>C, p.Ser112= (NM_001393980.1, NM_001393975.1, NM_001393978.1); c.408A>C, p.Ser136= (NM_031915.3, NM_001393977.1); c.372A>C, p.Ser124= (NM_001320727.2, NM_001320699.2, NM_001393976.1 and 1 more transcripts).
Identifiers: ClinVar variation 2643816 (VCV002643816.24), dbSNP rs370050788, ClinGen allele CA6981789.